The following is an entry in ClinVar:

NM_006648.4(WNK2):c.4320C>G (p.His1440Gln)

Gene: WNK2 (WNK lysine deficient protein kinase 2; plus strand). Cytogenetic location: 9q22.31.
Variant type: single nucleotide variant.
Coding change: c.4320C>G on transcript NM_006648.4 (MANE Select); coding-DNA position 4320, C replaced by G.
Protein change: p.His1440Gln; replaces histidine 1440 with glutamine.
Molecular consequence: missense variant.
Genome position (GRCh38, 1-based): chr9:93,289,074, C>G. VCF-style: chr9-93289074-C-G. GRCh37 (hg19) VCF-style: chr9-96051356-C-G.
Other names: c.4431C>G, p.His1477Gln (NM_001282394.3); short protein forms H1440Q, H1477Q.
Identifiers: ClinVar variation 4866732 (VCV004866732.1).

ClinVar aggregate classification (germline): Uncertain significance (1 of 4 stars; one submission).

Submission:

Ambry Genetics
Classification: Uncertain significance. Last evaluated: 2026-06-03. Review status: criteria provided, single submitter. Criteria: Ambry Variant Classification Scheme 2023. Collection method: clinical testing. Allele origin: germline.
Comment: The p.H1440Q variant (also known as c.4320C>G), located in coding exon 19 of the WNK2 gene, results from a C to G substitution at nucleotide position 4320. The histidine at codon 1440 is replaced by glutamine, an amino acid with highly similar properties. This amino acid position is conserved. In addition, this alteration is predicted to be tolerated by in silico analysis. Based on the available evidence, the clinical significance of this variant remains unclear.